The following is an entry in ClinVar:

ClinVar aggregate classification (germline): Likely pathogenic (1 of 4 stars; one submission).

Conditions:
Deficiency of butyryl-CoA dehydrogenase (ACADSD). Also called: SCAD DEFICIENCY, MILD; ACYL-CoA DEHYDROGENASE, SHORT-CHAIN, DEFICIENCY OF; ACADS DEFICIENCY; SCAD Deficiency; Short-Chain Acyl-CoA Dehydrogenase Deficiency; SCADH DEFICIENCY. Identifiers: Orphanet 26792, MedGen C0342783, MONDO:0008722, OMIM 201470. Disease mechanism: May be benign.

gnomAD v4.1: 1 of 1,614,078 alleles (0.000062%); highest among the groups gnomAD compares: African/African-American, 0.0013%; no homozygotes.

Submission:

First Genomix Gene Laboratory, Genetic Diagnostics Department
Classification: Likely pathogenic for Deficiency of butyryl-CoA dehydrogenase. Last evaluated: 2025-03-27. Review status: criteria provided, single submitter. Criteria: ACMG Guidelines, 2015. Collection method: clinical testing. Allele origin: germline. Inheritance: Autosomal recessive inheritance. Affected: no. Observed: 1 variant allele.

NM_000017.4(ACADS):c.596C>G (p.Ala199Gly)

Gene: ACADS (acyl-CoA dehydrogenase short chain; plus strand). Cytogenetic location: 12q24.31.
Variant type: single nucleotide variant.
Coding change: c.596C>G on transcript NM_000017.4 (MANE Select); coding-DNA position 596, C replaced by G.
Protein change: p.Ala199Gly; replaces alanine 199 with glycine.
Molecular consequence: missense variant. On other transcripts: intron variant (1).
Genome position (GRCh38, 1-based): chr12:120,737,960, C>G. VCF-style: chr12-120737960-C-G. GRCh37 (hg19) VCF-style: chr12-121175763-C-G.
Other names: c.473-89C>G (NM_001302554.2); short protein forms A199G.
Identifiers: ClinVar variation 4845828 (VCV004845828.1).